The following is an entry in ClinVar:

ClinVar aggregate classification (germline): Uncertain significance (1 of 4 stars; one submission).

Conditions:
Walker-Warburg congenital muscular dystrophy. Also called: Muscular dystrophy-dystroglycanopathy, type A; Walker-Warburg syndrome. Identifiers: Orphanet 899, MedGen C0265221, MONDO:0000171.

Submission:

Labcorp Genetics (formerly Invitae), Labcorp
Classification: Uncertain significance for Walker-Warburg congenital muscular dystrophy. Last evaluated: 2021-08-12. Review status: criteria provided, single submitter. Criteria: Invitae Variant Classification Sherloc (09022015). Collection method: clinical testing. Allele origin: germline.
Comment: This sequence change replaces asparagine with lysine at codon 61 of the FKRP protein (p.Asn61Lys). The asparagine residue is highly conserved and there is a moderate physicochemical difference between asparagine and lysine. This variant is not present in population databases (ExAC no frequency). This missense change has been observed in individual(s) with clinical features of FKRP-related¬†conditions (Invitae). In at least one individual the data is consistent with the variant being in trans (on the opposite chromosome) from a pathogenic variant. Algorithms developed to predict the effect of missense changes on protein structure and function (SIFT, PolyPhen-2, Align-GVGD) all suggest that this variant is likely to be tolerated. Algorithms developed to predict the effect of sequence changes on RNA splicing suggest that this variant is not likely to affect RNA splicing. In summary, the available evidence is currently insufficient to determine the role of this variant in disease. Therefore, it has been classified as a Variant of Uncertain Significance.

NM_024301.5(FKRP):c.183C>G (p.Asn61Lys)

Gene: FKRP (fukutin related protein; plus strand). Cytogenetic location: 19q13.32.
Variant type: single nucleotide variant.
Coding change: c.183C>G on transcript NM_024301.5 (MANE Select); coding-DNA position 183, C replaced by G.
Protein change: p.Asn61Lys; replaces asparagine 61 with lysine.
Molecular consequence: missense variant.
Genome position (GRCh38, 1-based): chr19:46,755,633, C>G. VCF-style: chr19-46755633-C-G. GRCh37 (hg19) VCF-style: chr19-47258890-C-G.
Other names: c.183C>G, p.Asn61Lys (NM_001039885.3); short protein forms N61K.
Identifiers: ClinVar variation 408723 (VCV000408723.6), dbSNP rs759539583, ClinGen allele CA16616299.
Genomic context (GRCh38, chr19:46,755,633, plus strand): 5'-TGCCTCTGCTGCCGGCCCCCGTGTCACCGTCCTGGTGCGGGAGTTCGAGGCATTTGACAA[C>G]GCGGTGCCCGAGCTGGTAGACTCCTTCCTGCAGCAAGACCCAGCCCAGCCCGTGGTGGTG-3'
Protein context (NP_077277.1, residues 51-71): VLVREFEAFD[Asn61Lys]AVPELVDSFL